The following is an entry in ClinVar:

NM_000017.4(ACADS):c.1A>G (p.Met1Val)

Gene: ACADS (acyl-CoA dehydrogenase short chain; plus strand). Cytogenetic location: 12q24.31.
Variant type: single nucleotide variant.
Coding change: c.1A>G on transcript NM_000017.4 (MANE Select); coding-DNA position 1, A replaced by G.
Protein change: p.Met1Val; changes the start codon (methionine 1).
Molecular consequence: missense variant, initiator codon variant.
Genome position (GRCh38, 1-based): chr12:120,725,886, A>G. VCF-style: chr12-120725886-A-G. GRCh37 (hg19) VCF-style: chr12-121163689-A-G.
Other names: c.1A>G, p.Met1Val (NM_001302554.2); short protein forms M1V.
Identifiers: ClinVar variation 552667 (VCV000552667.15), dbSNP rs1291226969, ClinGen allele CA386612533.
Genomic context (GRCh38, chr12:120,725,886, plus strand): 5'-ACTCCGGAACAGCGCGCTCGCAGCGGGAGGTCGCGAAGCCTGGGACTGTGTCTGTCGCCC[A>G]TGGCCGCCGCGCTGCTCGCCCGGGCCTCGGGCCCTGCCCGCAGAGGTGAGTGCGCTGGGG-3'
Protein context (NP_000008.1, residues 1-11): [Met1Val]AAALLARASG

ClinVar aggregate classification (germline): Pathogenic/Likely pathogenic. Review status: criteria provided, multiple submitters, no conflicts (2 of 4 stars). 4 submissions from 4 submitters: Pathogenic (2); Likely pathogenic (1). 1 of the submissions does not count toward it. Last evaluated 2024-04-22.

Conditions:
Deficiency of butyryl-CoA dehydrogenase (ACADSD). Also called: SCAD DEFICIENCY, MILD; ACYL-CoA DEHYDROGENASE, SHORT-CHAIN, DEFICIENCY OF; ACADS DEFICIENCY; Short-Chain Acyl-CoA Dehydrogenase Deficiency; SCAD Deficiency; SCADH DEFICIENCY. Identifiers: Orphanet 26792, MedGen C0342783, MONDO:0008722, OMIM 201470. Disease mechanism: May be benign.

Allele frequency attached by ClinVar (database versions not stated): gnomAD exomes below 0.00001 and 0.00001; TOPMed below 0.00001.

Submissions (4):

Labcorp Genetics (formerly Invitae), Labcorp
Classification: Pathogenic for Deficiency of butyryl-CoA dehydrogenase. Last evaluated: 2024-04-22. Review status: criteria provided, single submitter. Criteria: Invitae Variant Classification Sherloc (09022015). Collection method: clinical testing. Allele origin: germline.
Comment: This sequence change affects the initiator methionine of the ACADS mRNA. The next in-frame methionine is located at codon 40. The frequency data for this variant in the population databases is considered unreliable, as metrics indicate poor data quality at this position in the gnomAD database. Disruption of the initiator codon has been observed in individual(s) with short-chain acyl-coenzyme A dehydrogenase deficiency (Invitae). In at least one individual the data is consistent with being in trans (on the opposite chromosome) from a pathogenic variant. ClinVar contains an entry for this variant (Variation ID: 552667). This variant disrupts a region of the ACADS protein in which other variant(s) (p.Arg23Trp) have been observed in individuals with ACADS-related conditions (Invitae). This suggests that this is a clinically significant region of the protein, and that variants that disrupt it are likely to be disease-causing. For these reasons, this variant has been classified as Pathogenic.

Laboratory of Medical Genetics, National & Kapodistrian University of Athens
Classification: Pathogenic for Deficiency of butyryl-CoA dehydrogenase. Last evaluated: 2024-02-01. Review status: criteria provided, single submitter. Criteria: ACMG Guidelines, 2015. Collection method: curation. Allele origin: germline. Affected: no.

Genome-Nilou Lab
Classification: Likely pathogenic for Deficiency of butyryl-CoA dehydrogenase. Last evaluated: 2021-11-07. Review status: criteria provided, single submitter. Criteria: ACMG Guidelines, 2015. Collection method: clinical testing. Allele origin: germline. Affected: no.

Counsyl
Classification: Likely pathogenic for Deficiency of butyryl-CoA dehydrogenase. Last evaluated: 2017-06-26. Review status: no assertion criteria provided. Collection method: clinical testing. Allele origin: unknown. Not counted in ClinVar's aggregate classification.